The following is an entry in ClinVar:

ClinVar aggregate classification (germline): Uncertain significance (1 of 4 stars; one submission).

Conditions:
Hypertrophic cardiomyopathy. Also called: HYPERTROPHIC MYOCARDIOPATHY. Identifiers: Orphanet 217569, MedGen C0007194, MeSH D002312, MONDO:0005045, HP:0001639.

Submission:

Labcorp Genetics (formerly Invitae), Labcorp
Classification: Uncertain significance for Hypertrophic cardiomyopathy. Last evaluated: 2025-10-22. Review status: criteria provided, single submitter. Criteria: Invitae Variant Classification Sherloc (09022015). Collection method: clinical testing. Allele origin: germline.
Comment: This sequence change replaces aspartic acid, which is acidic and polar, with asparagine, which is neutral and polar, at codon 773 of the MYBPC3 protein (p.Asp773Asn). This variant is not present in population databases (gnomAD no frequency). This variant has not been reported in the literature in individuals affected with MYBPC3-related conditions. An algorithm developed to predict the effect of missense changes on protein structure and function (PolyPhen-2) suggests that this variant is likely to be disruptive. In summary, the available evidence is currently insufficient to determine the role of this variant in disease. Therefore, it has been classified as a Variant of Uncertain Significance.

NM_000256.3(MYBPC3):c.2317G>A (p.Asp773Asn)

Gene: MYBPC3 (myosin binding protein C3; minus strand). Cytogenetic location: 11p11.2.
Variant type: single nucleotide variant.
Coding change: c.2317G>A on transcript NM_000256.3 (MANE Select); coding-DNA position 2317, G replaced by A.
Protein change: p.Asp773Asn; replaces aspartic acid 773 with asparagine.
Molecular consequence: missense variant.
Genome position (GRCh38, 1-based): chr11:47,337,786, C>T on the plus strand (G>A on the coding strand, the complement: MYBPC3 is on the minus strand). VCF-style: chr11-47337786-C-T. GRCh37 (hg19) VCF-style: chr11-47359337-C-T.
Other names: short protein forms D773N.
Identifiers: ClinVar variation 4704099 (VCV004704099.1).